The following is an entry in ClinVar:

NM_032830.3(UTP4):c.1312C>T (p.Arg438Cys)

Gene: UTP4 (UTP4 small subunit processome component). Cytogenetic location: 16q22.1.
Variant type: single nucleotide variant.
Coding change: c.1312C>T on transcript NM_032830.3 (MANE Select); coding-DNA position 1312, C replaced by T.
Protein change: p.Arg438Cys; replaces arginine 438 with cysteine.
Molecular consequence: missense variant.
Genome position (GRCh38, 1-based): chr16:69,157,108, C>T. VCF-style: chr16-69157108-C-T. GRCh37 (hg19) VCF-style: chr16-69191011-C-T.
Other names: c.1312C>T (NM_032830.2); c.1063C>T, p.Arg355Cys (NM_001318391.2); short protein forms R355C, R438C.
Identifiers: ClinVar variation 4803671 (VCV004803671.2).
Genomic context (GRCh38, chr16:69,157,108, plus strand): 5'-TTCTCTCACTGGCTTTTATTATTGGTTCACCCAAAGGTTTCCAAAATGCCAGCATTCCTT[C>T]GCTCTGCCCTTCAGATTTTGTTTTCTGAAGATTCAACAAAGCTCTTTGTAGCATCAAATC-3'
Protein context (NP_116219.2, residues 428-448): KRVSKMPAFL[Arg438Cys]SALQILFSED

ClinVar aggregate classification (germline): Uncertain significance. Review status: criteria provided, multiple submitters, no conflicts (2 of 4 stars). 2 submissions from 2 submitters: Uncertain significance (2). Last evaluated 2025-09-02.

Conditions:
UTP4-related disorder. Also called: UTP4-related condition.

gnomAD v4.1: 148 of 1,614,084 alleles (0.0092%); highest among the groups gnomAD compares: Admixed American, 0.083%; no homozygotes.

Submissions (2):

Labcorp Genetics (formerly Invitae), Labcorp
Classification: Uncertain significance. Last evaluated: 2025-09-02. Review status: criteria provided, single submitter. Criteria: Invitae Variant Classification Sherloc (09022015). Collection method: clinical testing. Allele origin: germline.
Comment: This sequence change replaces arginine, which is basic and polar, with cysteine, which is neutral and slightly polar, at codon 438 of the UTP4 protein (p.Arg438Cys). This variant is present in population databases (rs376717692, gnomAD 0.07%), and has an allele count higher than expected for a pathogenic variant. This variant has not been reported in the literature in individuals affected with UTP4-related conditions. Invitae Evidence Modeling of protein sequence and biophysical properties (such as structural, functional, and spatial information, amino acid conservation, physicochemical variation, residue mobility, and thermodynamic stability) indicates that this missense variant is not expected to disrupt UTP4 protein function with a negative predictive value of 80%. Algorithms developed to predict the effect of sequence changes on RNA splicing suggest that this variant may disrupt the consensus splice site. In summary, the available evidence is currently insufficient to determine the role of this variant in disease. Therefore, it has been classified as a Variant of Uncertain Significance.

PreventionGenetics, part of Exact Sciences
Classification: Uncertain significance for UTP4-related condition. Last evaluated: 2024-11-20. Review status: criteria provided, single submitter. Criteria: ACMG Guidelines, 2015. Collection method: clinical testing. Allele origin: germline.
Comment: The UTP4 c.1312C>T variant is predicted to result in the amino acid substitution p.Arg438Cys. To our knowledge, this variant has not been reported in the literature. This variant is reported in 0.065% of alleles in individuals of Latino descent in gnomAD, including one homozygous finding. Although we suspect that this variant may be benign, at this time, the clinical significance of this variant is uncertain due to the absence of conclusive functional and genetic evidence.